The following is an entry in ClinVar:

NM_000238.4(KCNH2):c.332A>T (p.Asp111Val)

Gene: KCNH2 (potassium voltage-gated channel subfamily H member 2; minus strand). Cytogenetic location: 7q36.1.
Variant type: single nucleotide variant.
Coding change: c.332A>T on transcript NM_000238.4 (MANE Select); coding-DNA position 332, A replaced by T.
Protein change: p.Asp111Val; replaces aspartic acid 111 with valine.
Molecular consequence: missense variant.
Genome position (GRCh38, 1-based): chr7:150,959,712, T>A on the plus strand (A>T on the coding strand, the complement: KCNH2 is on the minus strand). VCF-style: chr7-150959712-T-A. GRCh37 (hg19) VCF-style: chr7-150656800-T-A.
Other names: c.332A>T (LRG_288t1); c.44A>T, p.Asp15Val (NM_001406753.1, NM_001406756.1); c.155A>T, p.Asp52Val (NM_001406755.1); c.32A>T, p.Asp11Val (NM_001406757.1); c.332A>T, p.Asp111Val (NM_172056.3); short protein forms D111V, D15V, D11V, D52V.
Identifiers: ClinVar variation 67489 (VCV000067489.3), dbSNP rs199472860, ClinGen allele CA008196.

ClinVar aggregate classification (germline): not provided (0 of 4 stars; one submission).

Conditions:
Familial long QT syndrome (RWS). Also called: Congenital long QT syndrome; Romano-Ward syndrome; VENTRICULAR FIBRILLATION WITH PROLONGED QT INTERVAL. Identifiers: Orphanet 768, MedGen C1141890, MONDO:0019171.

Submission:

Cardiovascular Biomedical Research Unit, Royal Brompton & Harefield NHS Foundation Trust
No classification provided. Condition: Familial long QT syndrome. Review status: no classification provided. Collection method: literature only. Allele origin: germline.
Comment: This variant has been reported as associated with Long QT syndrome in the following publications (PMID:18441445;PMID:20975234). This is a literature report, and does not necessarily reflect the clinical interpretation of the Imperial College / Royal Brompton Cardiovascular Genetics laboratory.

Literature cited by the submitters: PubMed 18441445; PubMed 20975234; PubMed 22581653.